The following is an entry in ClinVar:

ClinVar aggregate classification (germline): Benign/Likely benign. Review status: criteria provided, multiple submitters, no conflicts (2 of 4 stars). 3 submissions from 3 submitters: Benign (1); Likely benign (1). 1 of the submissions does not count toward it. Last evaluated 2026-01-20.

Conditions:
SLC6A8-related disorder. Also called: SLC6A8-related condition.
Creatine transporter deficiency (CCDS1). Also called: SLC6A8-Related Creatine Transporter Deficiency; CREATINE TRANSPORTER DEFECT; CEREBRAL CREATINE DEFICIENCY SYNDROME 1; Mental retardation , X-linked with seizures, short stature and midface hypoplasia; Mental retardation , X-linked, with creatine transport deficiency; X-linked creatine transporter deficiency. Identifiers: Orphanet 52503, MedGen C1845862, MONDO:0010305, OMIM 300352.

Allele frequency attached by ClinVar (database versions not stated): gnomAD exomes 0.00005 and 0.00006; ExAC 0.00010; TOPMed 0.00019; 1000 Genomes Project 30x 0.00021; gnomAD 0.00021 and 0.00022; 1000 Genomes Project 0.00026; ESP Exome Variant Server 0.00028.
gnomAD v4.1: 77 of 1,209,457 alleles (0.0064%); highest among the groups gnomAD compares: African/African-American, 0.07%; no homozygotes.

Submissions (3):

Labcorp Genetics (formerly Invitae), Labcorp
Classification: Benign for Creatine transporter deficiency. Last evaluated: 2026-01-20. Review status: criteria provided, single submitter. Criteria: Invitae Variant Classification Sherloc (09022015). Collection method: clinical testing. Allele origin: germline.

GeneDx
Classification: Likely benign. Last evaluated: 2019-08-14. Review status: criteria provided, single submitter. Criteria: GeneDx Variant Classification Process June 2021. Collection method: clinical testing. Allele origin: germline. Affected: yes.

PreventionGenetics, part of Exact Sciences
Classification: Likely benign for SLC6A8-related condition. Last evaluated: 2019-06-18. Review status: no assertion criteria provided. Collection method: clinical testing. Allele origin: germline. Not counted in ClinVar's aggregate classification.
Comment: This variant is classified as likely benign based on ACMG/AMP sequence variant interpretation guidelines (Richards et al. 2015 PMID: 25741868, with internal and published modifications).

NM_005629.4(SLC6A8):c.819C>T (p.Val273=)

Gene: SLC6A8 (solute carrier family 6 member 8; plus strand). Cytogenetic location: Xq28.
Variant type: single nucleotide variant.
Coding change: c.819C>T on transcript NM_005629.4 (MANE Select); coding-DNA position 819, C replaced by T.
Protein change: p.Val273=; no amino-acid change (valine 273 retained).
Molecular consequence: synonymous variant.
Genome position (GRCh38, 1-based): chrX:153,693,082, C>T. VCF-style: chrX-153693082-C-T. GRCh37 (hg19) VCF-style: chrX-152958537-C-T.
Other names: c.819C>T, p.Val273= (NM_001142805.2); c.474C>T, p.Val158= (NM_001142806.1).
Identifiers: ClinVar variation 386883 (VCV000386883.15), dbSNP rs143750068, ClinGen allele CA10549332.